The following is an entry in ClinVar:

ClinVar aggregate classification (germline): Likely pathogenic. Review status: criteria provided, multiple submitters, no conflicts (2 of 4 stars). 2 submissions from 2 submitters: Likely pathogenic (2). Last evaluated 2024-03-11.

Conditions:
Charcot-Marie-Tooth disease type 4D. Also called: CHARCOT-MARIE-TOOTH DISEASE, DEMYELINATING, AUTOSOMAL RECESSIVE, TYPE 4D; NEUROPATHY, HEREDITARY MOTOR AND SENSORY, LOM TYPE; Charcot-Marie-Tooth Neuropathy Type 4D; CHARCOT-MARIE-TOOTH DISEASE, DEMYELINATING, TYPE 4D. Identifiers: Orphanet 99950, MedGen C1832334, MONDO:0011085, OMIM 601455.

Submissions (2):

Fulgent Genetics
Classification: Likely pathogenic for Charcot-Marie-Tooth disease type 4D. Last evaluated: 2024-03-11. Review status: criteria provided, single submitter. Criteria: ACMG Guidelines, 2015. Collection method: clinical testing. Allele origin: germline.

Kariminejad - Najmabadi Pathology & Genetics Center
Classification: Likely pathogenic for Charcot-Marie-Tooth disease type 4D. Last evaluated: 2024-01-03. Review status: criteria provided, single submitter. Criteria: ACMG Guidelines, 2015. Collection method: clinical testing. Allele origin: germline. Inheritance: Autosomal recessive inheritance. Affected: yes.
Comment: PVS1(Very Strong),PM2

NM_006096.4(NDRG1):c.516G>A (p.Trp172Ter)

Gene: NDRG1 (N-myc downstream regulated 1; minus strand). Cytogenetic location: 8q24.22.
Variant type: single nucleotide variant.
Coding change: c.516G>A on transcript NM_006096.4 (MANE Select); coding-DNA position 516, G replaced by A.
Protein change: p.Trp172Ter; replaces tryptophan 172 with a stop codon.
Molecular consequence: nonsense.
Genome position (GRCh38, 1-based): chr8:133,256,798, C>T on the plus strand (G>A on the coding strand, the complement: NDRG1 is on the minus strand). VCF-style: chr8-133256798-C-T. GRCh37 (hg19) VCF-style: chr8-134269041-C-T.
Other names: c.516G>A, p.Trp172Ter (NM_001135242.2, NM_001374844.1, NM_001374845.1 and 1 more transcripts); c.318G>A, p.Trp106Ter (NM_001258432.2, NM_001374847.1); c.273G>A, p.Trp91Ter (NM_001258433.2); short protein forms W172*, W106*, W91*.
Identifiers: ClinVar variation 3595285 (VCV003595285.2).